The following is an entry in ClinVar:

NM_025114.4(CEP290):c.5576G>A (p.Ser1859Asn)

Gene: CEP290 (centrosomal protein 290; minus strand). Cytogenetic location: 12q21.32.
Variant type: single nucleotide variant.
Coding change: c.5576G>A on transcript NM_025114.4 (MANE Select); coding-DNA position 5576, G replaced by A.
Protein change: p.Ser1859Asn; replaces serine 1859 with asparagine.
Molecular consequence: missense variant.
Genome position (GRCh38, 1-based): chr12:88,077,707, C>T on the plus strand (G>A on the coding strand, the complement: CEP290 is on the minus strand). VCF-style: chr12-88077707-C-T. GRCh37 (hg19) VCF-style: chr12-88471484-C-T.
Other names: short protein forms S1859N.
Identifiers: ClinVar variation 1393503 (VCV001393503.11), dbSNP rs2137056432, ClinGen allele CA385988041.

ClinVar aggregate classification (germline): Uncertain significance (1 of 4 stars; one submission).

Conditions:
Joubert syndrome. Also called: CEREBELLOPARENCHYMAL DISORDER IV; JOUBERT-BOLTSHAUSER SYNDROME; Familial aplasia of the vermis. Identifiers: Orphanet 475, MedGen C5979921, MONDO:0018772.
Nephronophthisis. Also called: Juvenile Nephronophthisis. Identifiers: Orphanet 655, MedGen C0687120, MONDO:0019005, HP:0000090.
Meckel-Gruber syndrome. Also called: DYSENCEPHALIA SPLANCHNOCYSTICA; GRUBER SYNDROME; Dysencephalia splachnocystica. Identifiers: Orphanet 564, MedGen C0265215, MONDO:0018921.

Submission:

Labcorp Genetics (formerly Invitae), Labcorp
Classification: Uncertain significance for Joubert syndrome; Meckel-Gruber syndrome; Nephronophthisis. Last evaluated: 2023-08-24. Review status: criteria provided, single submitter. Criteria: Invitae Variant Classification Sherloc (09022015). Collection method: clinical testing. Allele origin: germline.
Comment: This variant is not present in population databases (gnomAD no frequency). This sequence change replaces serine, which is neutral and polar, with asparagine, which is neutral and polar, at codon 1859 of the CEP290 protein (p.Ser1859Asn). This variant has not been reported in the literature in individuals affected with CEP290-related conditions. ClinVar contains an entry for this variant (Variation ID: 1393503). Advanced modeling of protein sequence and biophysical properties (such as structural, functional, and spatial information, amino acid conservation, physicochemical variation, residue mobility, and thermodynamic stability) performed at Invitae indicates that this missense variant is not expected to disrupt CEP290 protein function. In summary, the available evidence is currently insufficient to determine the role of this variant in disease. Therefore, it has been classified as a Variant of Uncertain Significance.